The following is an entry in ClinVar:

ClinVar aggregate classification (germline): Benign/Likely benign. Review status: criteria provided, multiple submitters, no conflicts (2 of 4 stars). 5 submissions from 5 submitters: Benign (1); Likely benign (3). 1 of the submissions does not count toward it. Last evaluated 2024-09-09.

Conditions:
Ataxia-telangiectasia syndrome (AT). Also called: Ataxia-telangiectasia, complementation group D; Cerebello-oculocutaneous telangiectasia; Immunodeficiency with ataxia telangiectasia; LOUIS-BAR SYNDROME; Ataxia-telangiectasia; AT, COMPLEMENTATION GROUP C. Identifiers: Orphanet 100, MedGen C0004135, MONDO:0008840, OMIM 208900.
Familial cancer of breast. Also called: BREAST CANCER, FAMILIAL; hereditary breast carcinoma; Hereditary breast cancer. Identifiers: Orphanet 227535, MedGen C0346153, MONDO:0016419, OMIM 114480. Disease mechanism: loss of function.
Hereditary cancer-predisposing syndrome. Also called: Tumor predisposition; Hereditary neoplastic syndrome; Neoplastic Syndromes, Hereditary; Hereditary Cancer Syndrome. Identifiers: Orphanet 140162, MedGen C0027672, MeSH D009386, MONDO:0015356.

gnomAD v4.1: 1 of 1,613,880 alleles (0.000062%); highest among the groups gnomAD compares: Non-Finnish European, 0.000085%; no homozygotes.

Submissions (5):

Labcorp Genetics (formerly Invitae), Labcorp
Classification: Likely benign for Ataxia-telangiectasia syndrome. Last evaluated: 2024-09-09. Review status: criteria provided, single submitter. Criteria: Invitae Variant Classification Sherloc (09022015). Collection method: clinical testing. Allele origin: germline.

Myriad Genetics, Inc.
Classification: Benign for Familial cancer of breast. Last evaluated: 2024-04-22. Review status: criteria provided, single submitter. Criteria: Myriad Autosomal Dominant, Autosomal Recessive and X-Linked Classification Criteria (2023). Collection method: clinical testing. Allele origin: unknown.
Comment: This variant is considered benign. This variant is a silent/synonymous amino acid change and it is not expected to impact splicing.

Ambry Genetics
Classification: Likely benign for Hereditary cancer-predisposing syndrome. Last evaluated: 2021-09-01. Review status: criteria provided, single submitter. Criteria: Ambry Variant Classification Scheme 2023. Collection method: clinical testing. Allele origin: germline.

Color Diagnostics, LLC DBA Color Health
Classification: Likely benign for Hereditary cancer-predisposing syndrome. Last evaluated: 2019-06-04. Review status: criteria provided, single submitter. Criteria: ACMG Guidelines, 2015. Collection method: clinical testing. Allele origin: germline.

Natera, Inc.
Classification: Uncertain significance for Ataxia-telangiectasia. Last evaluated: 2025-03-06. Review status: no assertion criteria provided. Collection method: clinical testing. Allele origin: germline. Not counted in ClinVar's aggregate classification.

NM_000051.4(ATM):c.648T>A (p.Ala216=)

Gene: ATM (ATM serine/threonine kinase; plus strand). Cytogenetic location: 11q22.3.
Variant type: single nucleotide variant.
Coding change: c.648T>A on transcript NM_000051.4 (MANE Select); coding-DNA position 648, T replaced by A.
Protein change: p.Ala216=; no amino-acid change (alanine 216 retained).
Molecular consequence: synonymous variant.
Genome position (GRCh38, 1-based): chr11:108,244,104, T>A. VCF-style: chr11-108244104-T-A. GRCh37 (hg19) VCF-style: chr11-108114831-T-A.
Other names: c.648T>A, p.Ala216= (NM_001351834.2).
Identifiers: ClinVar variation 928233 (VCV000928233.15), dbSNP rs770270310, ClinGen allele CA476671480.